The following is an entry in ClinVar:

ClinVar aggregate classification (germline): Uncertain significance (1 of 4 stars; one submission).

Conditions:
Primary dilated cardiomyopathy (DCM). Also called: Dilated Cardiomyopathy. Identifiers: Orphanet 217604, MedGen C0007193, MeSH D002311, MONDO:0005021, HP:0001644. Inheritance: Various modes of inheritance.
Hypertrophic cardiomyopathy. Also called: HYPERTROPHIC MYOCARDIOPATHY. Identifiers: Orphanet 217569, MedGen C0007194, MeSH D002312, MONDO:0005045, HP:0001639.

Allele frequency attached by ClinVar (database versions not stated): ExAC 0.00003; gnomAD 0.00004; TOPMed 0.00004.

Submission:

Labcorp Genetics (formerly Invitae), Labcorp
Classification: Uncertain significance for Hypertrophic cardiomyopathy; Primary dilated cardiomyopathy. Last evaluated: 2026-01-11. Review status: criteria provided, single submitter. Criteria: Invitae Variant Classification Sherloc (09022015). Collection method: clinical testing. Allele origin: germline.
Comment: This sequence change replaces arginine, which is basic and polar, with histidine, which is basic and polar, at codon 348 of the PDLIM3 protein (p.Arg348His). This variant is present in population databases (rs764823333, gnomAD 0.03%). This variant has not been reported in the literature in individuals affected with PDLIM3-related conditions. ClinVar contains an entry for this variant (Variation ID: 859330). Invitae Evidence Modeling of protein sequence and biophysical properties (such as structural, functional, and spatial information, amino acid conservation, physicochemical variation, residue mobility, and thermodynamic stability) indicates that this missense variant is not expected to disrupt PDLIM3 protein function with a negative predictive value of 80%. In summary, the available evidence is currently insufficient to determine the role of this variant in disease. Therefore, it has been classified as a Variant of Uncertain Significance.

NM_014476.6(PDLIM3):c.1043G>A (p.Arg348His)

Gene: PDLIM3 (PDZ and LIM domain 3; minus strand). Cytogenetic location: 4q35.1.
Variant type: single nucleotide variant.
Coding change: c.1043G>A on transcript NM_014476.6 (MANE Select); coding-DNA position 1043, G replaced by A.
Protein change: p.Arg348His; replaces arginine 348 with histidine.
Molecular consequence: missense variant. On other transcripts: non-coding transcript variant (1).
Genome position (GRCh38, 1-based): chr4:185,502,346, C>T on the plus strand (G>A on the coding strand, the complement: PDLIM3 is on the minus strand). VCF-style: chr4-185502346-C-T. GRCh37 (hg19) VCF-style: chr4-186423500-C-T.
Other names: c.899G>A, p.Arg300His (NM_001114107.5); c.779G>A, p.Arg260His (NM_001257962.2); c.542G>A, p.Arg181His (NM_001257963.2); short protein forms R260H, R300H, R181H, R348H.
Identifiers: ClinVar variation 859330 (VCV000859330.10), dbSNP rs764823333, ClinGen allele CA3159599.